The following is an entry in ClinVar:

NM_000868.4(HTR2C):c.622G>A (p.Val208Met)

Genes: HTR2C (5-hydroxytryptamine receptor 2C; plus strand), LOC126863306 (MED14-independent group 3 enhancer GRCh37_chrX:114140926-114142125; plus strand). Cytogenetic location: Xq23.
Variant type: single nucleotide variant.
Coding change: c.622G>A on transcript NM_000868.4 (MANE Select); coding-DNA position 622, G replaced by A.
Protein change: p.Val208Met; replaces valine 208 with methionine.
Molecular consequence: missense variant.
Genome position (GRCh38, 1-based): chrX:114,906,660, G>A. VCF-style: chrX-114906660-G-A. GRCh37 (hg19) VCF-style: chrX-114141223-G-A.
Other names: c.622G>A, p.Val208Met (NM_001256760.3); c.527G>A, p.Arg176His (NM_001256761.3); short protein forms R176H, V208M.
Identifiers: ClinVar variation 4990126 (VCV004990126.1).

ClinVar aggregate classification (germline): Uncertain significance (1 of 4 stars; one submission).

Conditions:
HTR2C-related disorder. Also called: HTR2C-related condition.

gnomAD v4.1: 12 of 1,209,209 alleles (0.00099%); highest among the groups gnomAD compares: East Asian, 0.012%; no homozygotes.

Submission:

PreventionGenetics, part of Exact Sciences
Classification: Uncertain significance for HTR2C-related condition. Last evaluated: 2026-04-20. Review status: criteria provided, single submitter. Criteria: ACMG Guidelines, 2015. Collection method: clinical testing. Allele origin: germline.
Comment: The HTR2C c.622G>A variant is predicted to result in the amino acid substitution p.Val208Met. This variant is reported in 0.029% of alleles in individuals of East Asian descent in gnomAD. At this time, the clinical significance of this variant is uncertain due to the absence of conclusive functional and genetic evidence.